The following is an entry in ClinVar:

ClinVar aggregate classification (germline): Likely benign (1 of 4 stars; one submission).

Allele frequency attached by ClinVar (database versions not stated): ExAC 0.00001; gnomAD 0.00001; TOPMed 0.00003; gnomAD exomes 0.00004 and 0.00009; ESP Exome Variant Server 0.00008.
gnomAD v4.1: 126 of 1,575,556 alleles (0.008%); highest among the groups gnomAD compares: Non-Finnish European, 0.011%; no homozygotes.

Submission:

GeneDx
Classification: Likely benign. Last evaluated: 2016-12-22. Review status: criteria provided, single submitter. Criteria: GeneDx Variant Classification (06012015). Collection method: clinical testing. Allele origin: germline. Affected: yes.
Comment: This variant is considered likely benign or benign based on one or more of the following criteria: it is a conservative change, it occurs at a poorly conserved position in the protein, it is predicted to be benign by multiple in silico algorithms, and/or has population frequency not consistent with disease.

NM_007215.4(POLG2):c.-35T>C

Genes: MILR1 (mast cell immunoglobulin like receptor 1; plus strand), POLG2 (DNA polymerase gamma 2, accessory subunit; minus strand). Cytogenetic location: 17q23.3.
Variant type: single nucleotide variant.
Coding change: c.-35T>C on transcript NM_007215.4 (MANE Select); 35 bases upstream of the start codon, T replaced by C.
Molecular consequence: 5 prime UTR variant.
Genome position (GRCh38, 1-based): chr17:64,497,003, A>G on the plus strand (T>C on the coding strand, the complement: POLG2 is on the minus strand). VCF-style: chr17-64497003-A-G. GRCh37 (hg19) VCF-style: chr17-62493121-A-G.
Identifiers: ClinVar variation 392130 (VCV000392130.1), dbSNP rs367696388, ClinGen allele CA8713123.